The following is an entry in ClinVar:

NM_152783.5(D2HGDH):c.1355C>T (p.Ser452Leu)

Gene: D2HGDH (D-2-hydroxyglutarate dehydrogenase; plus strand). Cytogenetic location: 2q37.3.
Variant type: single nucleotide variant.
Coding change: c.1355C>T on transcript NM_152783.5 (MANE Select); coding-DNA position 1355, C replaced by T.
Protein change: p.Ser452Leu; replaces serine 452 with leucine.
Molecular consequence: missense variant. On other transcripts: non-coding transcript variant (1).
Genome position (GRCh38, 1-based): chr2:241,767,758, C>T. VCF-style: chr2-241767758-C-T. GRCh37 (hg19) VCF-style: chr2-242707173-C-T.
Other names: c.953C>T, p.Ser318Leu (NM_001287249.2); c.794C>T, p.Ser265Leu (NM_001352824.2); short protein forms S265L, S318L, S452L.
Identifiers: ClinVar variation 3390668 (VCV003390668.1).

ClinVar aggregate classification (germline): Uncertain significance (1 of 4 stars; one submission).

gnomAD v4.1: 17 of 1,612,580 alleles (0.0011%); highest among the groups gnomAD compares: Admixed American, 0.0033%; no homozygotes.

Submission:

GeneDx
Classification: Uncertain significance. Last evaluated: 2024-06-03. Review status: criteria provided, single submitter. Criteria: GeneDx Variant Classification Process June 2021. Collection method: clinical testing. Allele origin: germline. Affected: yes.
Comment: In silico analysis supports that this missense variant has a deleterious effect on protein structure/function; Has not been previously published as pathogenic or benign to our knowledge